The following is an entry in ClinVar:

NM_000435.3(NOTCH3):c.2456C>A (p.Pro819His)

Gene: NOTCH3 (notch receptor 3; minus strand). Cytogenetic location: 19p13.12.
Variant type: single nucleotide variant.
Coding change: c.2456C>A on transcript NM_000435.3 (MANE Select); coding-DNA position 2456, C replaced by A.
Protein change: p.Pro819His; replaces proline 819 with histidine.
Molecular consequence: missense variant.
Genome position (GRCh38, 1-based): chr19:15,184,405, G>T on the plus strand (C>A on the coding strand, the complement: NOTCH3 is on the minus strand). VCF-style: chr19-15184405-G-T. GRCh37 (hg19) VCF-style: chr19-15295216-G-T.
Other names: short protein forms P819H.
Identifiers: ClinVar variation 1702593 (VCV001702593.2), dbSNP rs2145427778, ClinGen allele CA404519799.

ClinVar aggregate classification (germline): Uncertain significance (1 of 4 stars; one submission).

Allele frequency attached by ClinVar (database versions not stated): gnomAD exomes below 0.00001.
gnomAD v4.1: 2 of 1,613,888 alleles (0.00012%); highest among the groups gnomAD compares: Non-Finnish European, 0.00017%; no homozygotes.

Submission:

GeneDx
Classification: Uncertain significance. Last evaluated: 2022-02-22. Review status: criteria provided, single submitter. Criteria: GeneDx Variant Classification Process June 2021. Collection method: clinical testing. Allele origin: germline. Affected: yes.
Comment: Not observed at significant frequency in large population cohorts (gnomAD); In silico analysis supports that this missense variant has a deleterious effect on protein structure/function; Has not been previously published as pathogenic or benign to our knowledge